The following is an entry in ClinVar:

ClinVar aggregate classification (germline): Uncertain significance (0 of 4 stars; one submission).

Conditions:
DRD4-related disorder. Also called: DRD4-related condition.

gnomAD v4.1: 1 of 1,602,046 alleles (0.000062%); highest among the groups gnomAD compares: South Asian, 0.0011%; no homozygotes.

Submission:

PreventionGenetics, part of Exact Sciences
Classification: Uncertain significance for DRD4-related condition. Last evaluated: 2024-06-11. Review status: no assertion criteria provided. Collection method: clinical testing. Allele origin: germline.
Comment: The DRD4 c.1115G>A variant is predicted to result in the amino acid substitution p.Cys372Tyr. To our knowledge, this variant has not been reported in the literature or in a large population database, indicating this variant is rare. At this time, the clinical significance of this variant is uncertain due to the absence of conclusive functional and genetic evidence.

NM_000797.4(DRD4):c.1115G>A (p.Cys372Tyr)

Gene: DRD4 (dopamine receptor D4; plus strand). Cytogenetic location: 11p15.5.
Variant type: single nucleotide variant.
Coding change: c.1115G>A on transcript NM_000797.4 (MANE Select); coding-DNA position 1115, G replaced by A.
Protein change: p.Cys372Tyr; replaces cysteine 372 with tyrosine.
Molecular consequence: missense variant.
Genome position (GRCh38, 1-based): chr11:640,458, G>A. VCF-style: chr11-640458-G-A. GRCh37 (hg19) VCF-style: chr11-640458-G-A.
Other names: short protein forms C372Y.
Identifiers: ClinVar variation 3345971 (VCV003345971.1).